The following is an entry in ClinVar:

NM_001943.5(DSG2):c.792T>A (p.Asp264Glu)

Gene: DSG2 (desmoglein 2; plus strand). Cytogenetic location: 18q12.1.
Variant type: single nucleotide variant.
Coding change: c.792T>A on transcript NM_001943.5 (MANE Select); coding-DNA position 792, T replaced by A.
Protein change: p.Asp264Glu; replaces aspartic acid 264 with glutamic acid.
Molecular consequence: missense variant.
Genome position (GRCh38, 1-based): chr18:31,524,549, T>A. VCF-style: chr18-31524549-T-A. GRCh37 (hg19) VCF-style: chr18-29104512-T-A.
Other names: c.792T>A (LRG_397t1); short protein forms D264E.
Identifiers: ClinVar variation 222562 (VCV000222562.3), dbSNP rs869025388, ClinGen allele CA353890.

ClinVar aggregate classification (germline): Uncertain significance (1 of 4 stars; one submission).

Conditions:
Arrhythmogenic right ventricular dysplasia 10. Also called: ARRHYTHMOGENIC RIGHT VENTRICULAR DYSPLASIA, FAMILIAL, 10; Arrhythmogenic Right Ventricular Dysplasia/Cardiomyopathy10; Arrhythmogenic right ventricular dysplasia/cardiomyopathy, type 10. Identifiers: MedGen C1857777, MONDO:0012434, OMIM 610193.

Allele frequency attached by ClinVar (database versions not stated): TOPMed below 0.00001; gnomAD 0.00001; gnomAD exomes 0.00001.
gnomAD v4.1: 6 of 1,614,008 alleles (0.00037%); highest among the groups gnomAD compares: Non-Finnish European, 0.00051%; no homozygotes.

Submission:

Labcorp Genetics (formerly Invitae), Labcorp
Classification: Uncertain significance for Arrhythmogenic right ventricular dysplasia 10. Last evaluated: 2022-07-23. Review status: criteria provided, single submitter. Criteria: Invitae Variant Classification Sherloc (09022015). Collection method: clinical testing. Allele origin: germline.
Comment: In summary, the available evidence is currently insufficient to determine the role of this variant in disease. Therefore, it has been classified as a Variant of Uncertain Significance. Algorithms developed to predict the effect of missense changes on protein structure and function (SIFT, PolyPhen-2, Align-GVGD) all suggest that this variant is likely to be disruptive. ClinVar contains an entry for this variant (Variation ID: 222562). This missense change has been observed in individual(s) with arrhythmogenic cardiomyopathy (PMID: 20400443, 21606390, 24704780). This variant is not present in population databases (gnomAD no frequency). This sequence change replaces aspartic acid, which is acidic and polar, with glutamic acid, which is acidic and polar, at codon 264 of the DSG2 protein (p.Asp264Glu).

Literature cited by the submitters: PubMed 20400443; PubMed 21606390; PubMed 24704780.